The following is an entry in ClinVar:

ClinVar aggregate classification (germline): Pathogenic/Likely pathogenic. Review status: criteria provided, multiple submitters, no conflicts (2 of 4 stars). 3 submissions from 3 submitters: Pathogenic (2); Likely pathogenic (1). Last evaluated 2025-06-01.

Conditions:
Bethlem myopathy 1A. Also called: Bethlem Muscular Dystrophy; MYOPATHY, BENIGN CONGENITAL, WITH CONTRACTURES; Bethlem myopathy 1. Identifiers: Orphanet 610, MedGen CN029274, MONDO:0024530, OMIM 158810.

Submissions (3):

CeGaT Center for Human Genetics Tuebingen
Classification: Pathogenic. Last evaluated: 2025-06-01. Review status: criteria provided, single submitter. Criteria: CeGaT Center For Human Genetics Tuebingen Variant Classification Criteria Version 2. Collection method: clinical testing. Allele origin: germline. Affected: yes. Observed: 1 variant allele.
Comment: COL6A3: PVS1, PM2

Labcorp Genetics (formerly Invitae), Labcorp
Classification: Pathogenic for Bethlem myopathy 1A. Last evaluated: 2025-05-14. Review status: criteria provided, single submitter. Criteria: Invitae Variant Classification Sherloc (09022015). Collection method: clinical testing. Allele origin: germline.
Comment: This sequence change creates a premature translational stop signal (p.Gly176*) in the COL6A3 gene. It is expected to result in an absent or disrupted protein product. Loss-of-function variants in COL6A3 are known to be pathogenic (PMID: 26004199). This variant is not present in population databases (gnomAD no frequency). This variant has not been reported in the literature in individuals affected with COL6A3-related conditions. ClinVar contains an entry for this variant (Variation ID: 2682823). For these reasons, this variant has been classified as Pathogenic.

Mayo Clinic Laboratories, Mayo Clinic
Classification: Likely pathogenic. Last evaluated: 2022-10-26. Review status: criteria provided, single submitter. Criteria: ACMG Guidelines, 2015. Collection method: clinical testing. Allele origin: germline. Observed: 1 variant allele.
Comment: PM2, PVS1

Literature cited by the submitters: PubMed 26004199 (cited by Labcorp Genetics (formerly Invitae), Labcorp).

NM_004369.4(COL6A3):c.526G>T (p.Gly176Ter)

Gene: COL6A3 (collagen type VI alpha 3 chain; minus strand). Cytogenetic location: 2q37.3.
Variant type: single nucleotide variant.
Coding change: c.526G>T on transcript NM_004369.4 (MANE Select); coding-DNA position 526, G replaced by T.
Protein change: p.Gly176Ter; replaces glycine 176 with a stop codon.
Molecular consequence: nonsense. On other transcripts: intron variant (4).
Genome position (GRCh38, 1-based): chr2:237,394,770, C>A on the plus strand (G>T on the coding strand, the complement: COL6A3 is on the minus strand). VCF-style: chr2-237394770-C-A. GRCh37 (hg19) VCF-style: chr2-238303413-C-A.
Other names: p.Gly176*; c.91+1957G>T (NM_057166.5, NM_057167.4, NM_057164.5 and 1 more transcripts); short protein forms G176*.
Identifiers: ClinVar variation 2682823 (VCV002682823.12), dbSNP rs778487068, ClinGen allele CA351226845.